The following is an entry in ClinVar:

ClinVar aggregate classification (germline): Likely pathogenic. Review status: criteria provided, multiple submitters, no conflicts (2 of 4 stars). 2 submissions from 2 submitters: Likely pathogenic (2). Last evaluated 2025-06-18.

Conditions:
Cardiovascular phenotype. Identifiers: MedGen CN230736.
Autosomal recessive limb-girdle muscular dystrophy type 2J (LGMDR10). Also called: Limb-girdle muscular dystrophy, type 2J; MUSCULAR DYSTROPHY, LIMB-GIRDLE, AUTOSOMAL RECESSIVE 10. Identifiers: Orphanet 140922, MedGen C1837342, MONDO:0012127, OMIM 608807.
Dilated cardiomyopathy 1G (CMD1G). Identifiers: Orphanet 154, MedGen C1858763, MONDO:0011400, OMIM 604145.

Submissions (2):

Labcorp Genetics (formerly Invitae), Labcorp
Classification: Likely pathogenic for Dilated cardiomyopathy 1G; Autosomal recessive limb-girdle muscular dystrophy type 2J. Last evaluated: 2025-06-18. Review status: criteria provided, single submitter. Criteria: Invitae Variant Classification Sherloc (09022015). Collection method: clinical testing. Allele origin: germline.
Comment: This sequence change creates a premature translational stop signal (p.Met359Argfs*43) in the TTN gene. While this is not anticipated to result in nonsense mediated decay, it is expected to create a truncated TTN protein. This variant is not present in population databases (gnomAD no frequency). This variant has not been reported in the literature in individuals affected with TTN-related conditions. ClinVar contains an entry for this variant (Variation ID: 1784780). This variant is located in the Z band of TTN (PMID: 25589632). Truncating variants in this region have been reported in individuals affected with autosomal recessive centronuclear myopathy (PMID: 33449170, internal data). Truncating variants in this region have also been identified in individuals affected with autosomal dominant dilated cardiomyopathy and/or cardio-related conditions (PMID: 27869827, 32964742, internal data). In summary, the currently available evidence indicates that the variant is pathogenic, but additional data are needed to prove that conclusively. Therefore, this variant has been classified as Likely Pathogenic.

Ambry Genetics
Classification: Likely pathogenic for Cardiovascular phenotype. Last evaluated: 2025-02-21. Review status: criteria provided, single submitter. Criteria: Ambry Variant Classification Scheme 2023. Collection method: clinical testing. Allele origin: germline.
Comment: The c.1076_1080delTGAGA variant, located in coding exon 6 of the TTN gene, results from a deletion of 5 nucleotides at nucleotide positions 1076 to 1080, causing a translational frameshift with a predicted alternate stop codon. This exon is located in the Z-disk region of the N2-B isoform of the titin protein and is constitutively expressed in TTN transcripts (percent spliced in or PSI 100%). This variant is considered to be rare based on population cohorts in the Genome Aggregation Database (gnomAD). This variant is expected to result in loss of function by premature protein truncation or nonsense-mediated mRNA decay. While truncating variants in TTN are present in 1-3% of the general population, truncating variants in the A-band are the most common cause of dilated cardiomyopathy (Herman DS et al. N. Engl. J. Med., 2012 Feb;366:619-28; Roberts AM et al. Sci Transl Med, 2015 Jan;7:270ra6). TTN truncating variants encoded in constitutive exons (PSI >90%) have been found to be significantly associated with DCM regardless of their position in titin (Schafer S et al. Nat. Genet., 2017 01;49:46-53; Akhtar MM et al. Circ Heart Fail, 2020 Oct;13:e006832; Massier M et al. Clin Genet, 2025 Jan). Based on the majority of available evidence to date, this variant is likely to be pathogenic.

Literature cited by the submitters: PubMed 25589632 (cited by Labcorp Genetics (formerly Invitae), Labcorp); PubMed 33449170 (cited by Labcorp Genetics (formerly Invitae), Labcorp); PubMed 27869827 (cited by Labcorp Genetics (formerly Invitae), Labcorp); PubMed 32964742 (cited by Labcorp Genetics (formerly Invitae), Labcorp).

NM_001267550.2(TTN):c.1076_1080del (p.Met359fs)

Gene: TTN (titin; minus strand). Cytogenetic location: 2q31.2.
Variant type: Microsatellite.
Coding change: c.1076_1080del on transcript NM_001267550.2 (MANE Select); coding-DNA positions 1076 to 1080, 5 bases deleted (TGAGA; older notation c.1076_1080delTGAGA).
Protein change: p.Met359fs; shifts the reading frame from methionine 359.
Molecular consequence: frameshift variant.
Genome position (GRCh38, 1-based): chr2:178,795,087-178,795,091, TCTCA deleted on the plus strand (TGAGA on the coding strand, the reverse complement: TTN is on the minus strand); deleting any 5 consecutive bases within chr2:178,795,087-178,795,096 gives the same sequence; the c. name uses the placement nearest the transcript's 3' end. VCF-style (leftmost placement, unchanged base first): chr2-178795086-CTCTCA-C. GRCh37 (hg19) VCF-style: chr2-179659813-CTCTCA-C.
Other names: c.1076_1080del, p.Met359fs (NM_003319.4, NM_133432.3, NM_133437.4 and 3 more transcripts); c.1076_1080delTGAGA (NM_003319.4); short protein forms M359fs.
Identifiers: ClinVar variation 1784780 (VCV001784780.4), dbSNP rs2534089825, ClinGen allele CA2580616642.
Genomic context (GRCh38, chr2:178,795,086, plus strand): 5'-CGTATCTCCCTTCCCATCTCTCTTCTGTCCTGATCTGAGTAGAGGTTGTCAGCGTTGTCT[CTCTCA>C]TCTCAGCCTCAGATGAGGAGGCCACGTAGCCCTCTTGCTTCCAAGGGGGAGGCACTTCAG-3'